The following is an entry in ClinVar:

ClinVar aggregate classification (germline): Uncertain significance (1 of 4 stars; one submission).

gnomAD v4.1: 6 of 1,614,020 alleles (0.00037%); highest among the groups gnomAD compares: Admixed American, 0.01%; no homozygotes.

Submission:

Labcorp Genetics (formerly Invitae), Labcorp
Classification: Uncertain significance. Last evaluated: 2025-11-25. Review status: criteria provided, single submitter. Criteria: Invitae Variant Classification Sherloc (09022015). Collection method: clinical testing. Allele origin: germline.
Comment: This sequence change replaces asparagine, which is neutral and polar, with aspartic acid, which is acidic and polar, at codon 61 of the CFH protein (p.Asn61Asp). This variant is present in population databases (rs769975480, gnomAD 0.02%). This variant has not been reported in the literature in individuals affected with CFH-related conditions. An algorithm developed to predict the effect of missense changes on protein structure and function (PolyPhen-2) suggests that this variant is likely to be tolerated. In summary, the available evidence is currently insufficient to determine the role of this variant in disease. Therefore, it has been classified as a Variant of Uncertain Significance.

NM_000186.4(CFH):c.181A>G (p.Asn61Asp)

Gene: CFH (complement factor H; plus strand). Cytogenetic location: 1q31.3.
Variant type: single nucleotide variant.
Coding change: c.181A>G on transcript NM_000186.4 (MANE Select); coding-DNA position 181, A replaced by G.
Protein change: p.Asn61Asp; replaces asparagine 61 with aspartic acid.
Molecular consequence: missense variant.
Genome position (GRCh38, 1-based): chr1:196,673,100, A>G. VCF-style: chr1-196673100-A-G. GRCh37 (hg19) VCF-style: chr1-196642230-A-G.
Other names: c.181A>G, p.Asn61Asp (NM_001014975.3); short protein forms N61D.
Identifiers: ClinVar variation 4780122 (VCV004780122.1).